The following is an entry in ClinVar:

NM_015559.3(SETBP1):c.4489G>A (p.Glu1497Lys)

Gene: SETBP1 (SET binding protein 1; plus strand). Cytogenetic location: 18q12.3.
Variant type: single nucleotide variant.
Coding change: c.4489G>A on transcript NM_015559.3 (MANE Select); coding-DNA position 4489, G replaced by A.
Protein change: p.Glu1497Lys; replaces glutamic acid 1497 with lysine.
Molecular consequence: missense variant.
Genome position (GRCh38, 1-based): chr18:45,063,396, G>A. VCF-style: chr18-45063396-G-A. GRCh37 (hg19) VCF-style: chr18-42643361-G-A.
Other names: c.4489G>A, p.Glu1497Lys (NM_001379141.1, NM_001379142.1); c.4318G>A, p.Glu1440Lys (NM_001410862.1); short protein forms E1497K, E1440K.
Identifiers: ClinVar variation 2899692 (VCV002899692.17), dbSNP rs781103603, ClinGen allele CA402483523.
Genomic context (GRCh38, chr18:45,063,396, plus strand): 5'-AAATGCATCGACCTGCCCAGCAAAAGAGGCCAGAAGCCCAGCCTGAGCCCGCTGGTGCTG[G>A]AGCCCGCCGCCAGCCAAGACACCATCATGGCCACCATCGAGGCGGTCATCCACATGGCCC-3'
Protein context (NP_056374.2, residues 1487-1507): QKPSLSPLVL[Glu1497Lys]PAASQDTIMA

ClinVar aggregate classification (germline): Benign/Likely benign. Review status: criteria provided, multiple submitters, no conflicts (2 of 4 stars). 2 submissions from 2 submitters: Benign (1); Likely benign (1). Last evaluated 2024-09-26.

gnomAD v4.1: 15 of 1,543,552 alleles (0.00097%); highest among the groups gnomAD compares: Middle Eastern, 0.017%; no homozygotes.

Submissions (2):

Labcorp Genetics (formerly Invitae), Labcorp
Classification: Benign. Last evaluated: 2024-09-26. Review status: criteria provided, single submitter. Criteria: Invitae Variant Classification Sherloc (09022015). Collection method: clinical testing. Allele origin: germline.

CeGaT Center for Human Genetics Tuebingen
Classification: Likely benign. Last evaluated: 2024-09-01. Review status: criteria provided, single submitter. Criteria: CeGaT Center For Human Genetics Tuebingen Variant Classification Criteria Version 2. Collection method: clinical testing. Allele origin: germline. Affected: yes. Observed: 1 variant allele.
Comment: SETBP1: PP2, BS2